The following is an entry in ClinVar:

NM_001288705.3(CSF1R):c.368C>T (p.Ala123Val)

Gene: CSF1R (colony stimulating factor 1 receptor; minus strand). Cytogenetic location: 5q32.
Variant type: single nucleotide variant.
Coding change: c.368C>T on transcript NM_001288705.3 (MANE Select); coding-DNA position 368, C replaced by T.
Protein change: p.Ala123Val; replaces alanine 123 with valine.
Molecular consequence: missense variant. On other transcripts: 5 prime UTR variant (1), non-coding transcript variant (2).
Genome position (GRCh38, 1-based): chr5:150,080,276, G>A on the plus strand (C>T on the coding strand, the complement: CSF1R is on the minus strand). VCF-style: chr5-150080276-G-A. GRCh37 (hg19) VCF-style: chr5-149459839-G-A.
Other names: c.368C>T, p.Ala123Val (NM_001349736.2, NM_001375320.1, NM_005211.4); c.-77C>T (NM_001375321.1); short protein forms A123V.
Identifiers: ClinVar variation 2030669 (VCV002030669.4), dbSNP rs140924076, ClinGen allele CA3507195.

ClinVar aggregate classification (germline): Uncertain significance (1 of 4 stars; one submission).

gnomAD v4.1: 12 of 1,613,876 alleles (0.00074%); no homozygotes.

Submission:

Labcorp Genetics (formerly Invitae), Labcorp
Classification: Uncertain significance. Last evaluated: 2022-02-28. Review status: criteria provided, single submitter. Criteria: Invitae Variant Classification Sherloc (09022015). Collection method: clinical testing. Allele origin: germline.
Comment: This sequence change replaces alanine, which is neutral and non-polar, with valine, which is neutral and non-polar, at codon 123 of the CSF1R protein (p.Ala123Val). This variant is present in population databases (rs140924076, gnomAD 0.02%). This variant has not been reported in the literature in individuals affected with CSF1R-related conditions. Advanced modeling of protein sequence and biophysical properties (such as structural, functional, and spatial information, amino acid conservation, physicochemical variation, residue mobility, and thermodynamic stability) performed at Invitae indicates that this missense variant is not expected to disrupt CSF1R protein function. In summary, the available evidence is currently insufficient to determine the role of this variant in disease. Therefore, it has been classified as a Variant of Uncertain Significance.